The following is an entry in ClinVar:

NM_138711.6(PPARG):c.551C>T (p.Pro184Leu)

Genes: PPARG (peroxisome proliferator activated receptor gamma; plus strand), LOC114803475 (PPARG eExon liver enhancer; plus strand). Cytogenetic location: 3p25.2.
Variant type: single nucleotide variant.
Coding change: c.551C>T on transcript NM_138711.6 (MANE Select); coding-DNA position 551, C replaced by T.
Protein change: p.Pro184Leu; replaces proline 184 with leucine.
Molecular consequence: missense variant. On other transcripts: intron variant (1).
Genome position (GRCh38, 1-based): chr3:12,405,903, C>T. VCF-style: chr3-12405903-C-T. GRCh37 (hg19) VCF-style: chr3-12447402-C-T.
Other names: c.551C>T, p.Pro184Leu (NM_001330615.4, NM_001354666.3, NM_001354667.3 and 6 more transcripts); c.641C>T, p.Pro214Leu (NM_001354668.2, NM_001374265.1, NM_015869.5); c.557C>T, p.Pro186Leu (NM_001354670.2, NM_001374266.1); c.103-10801C>T (NM_001354669.2); short protein forms P184L, P186L, P214L.
Identifiers: ClinVar variation 3024551 (VCV003024551.2), dbSNP rs2050642774.
Genomic context (GRCh38, chr3:12,405,903, plus strand): 5'-AATCCAATGATTCATCCTGTCATTCCTCTTCCTCTATAGCCATCAGGTTTGGGCGGATGC[C>T]ACAGGCCGAGAAGGAGAAGCTGTTGGCGGAGATCTCCAGTGATATCGACCAGCTGAATCC-3'
Protein context (NP_619725.3, residues 174-194): SHNAIRFGRM[Pro184Leu]QAEKEKLLAE

ClinVar aggregate classification (germline): Pathogenic (0 of 4 stars; one submission).

Conditions:
PPARG-related familial partial lipodystrophy. Also called: LIPODYSTROPHY, FAMILIAL PARTIAL, ASSOCIATED WITH PPARG MUTATIONS. Identifiers: Orphanet 79083, MedGen C1720861, MONDO:0011448, OMIM 604367.

Allele frequency attached by ClinVar (database versions not stated): TOPMed below 0.00001; gnomAD 0.00001.
gnomAD v4.1: 1 of 1,613,984 alleles (0.000062%); highest among the groups gnomAD compares: Non-Finnish European, 0.000085%; no homozygotes.

Submission:

Centro De Biociências, Universidade Federal do Rio Grande do Norte
Classification: Pathogenic for PPARG-related familial partial lipodystrophy. Review status: no assertion criteria provided. Collection method: clinical testing. Allele origin: germline. Inheritance: Autosomal recessive inheritance. Affected: yes. Observed: 2 heterozygotes.
Comment: The genetic variant Chr3:12.405.903 C>T (or c.641C>T - ENST00000287820) causes the substitution of proline with leucine at position 214 in the amino acid sequence (p.Pro214Leu). This substitution is predicted to be harmful by computational programs for in silico pathogenicity prediction, as proline in position 214 is a conserved amino acid in various biological species. This variant is quite rare, being absent from around 125 thousand individuals in the world population. Heterozygous pathogenic variants in the PPARG gene are linked to familial partial lipodystrophy type 3 (OMIM# 604367), which presents with abnormal fat distribution, muscle hypertrophy, insulin resistance, development of diabetes, hypertriglyceridemia, polycystic ovary syndrome, and hepatic steatosis resulting in secondary hepatomegaly.

Literature cited by the submitters: PubMed 38951919.